The following is an entry in ClinVar:

ClinVar aggregate classification (germline): Uncertain significance (1 of 4 stars; one submission).

Conditions:
Peroxisome biogenesis disorder 7A (Zellweger). Also called: Peroxisome biogenesis disorder 7A. Identifiers: Orphanet 912, MedGen C3888385, MONDO:0013938, OMIM 614872.
Peroxisome biogenesis disorder 7B (PBD7B). Identifiers: Orphanet 44, MedGen C3553951, MONDO:0013939, OMIM 614873.

Allele frequency attached by ClinVar (database versions not stated): TOPMed 0.00001.

Submission:

Labcorp Genetics (formerly Invitae), Labcorp
Classification: Uncertain significance for Peroxisome biogenesis disorder 7A (Zellweger); Peroxisome biogenesis disorder 7B. Last evaluated: 2022-08-09. Review status: criteria provided, single submitter. Criteria: Invitae Variant Classification Sherloc (09022015). Collection method: clinical testing. Allele origin: germline.
Comment: This sequence change replaces proline, which is neutral and non-polar, with leucine, which is neutral and non-polar, at codon 134 of the PEX26 protein (p.Pro134Leu). This variant is not present in population databases (gnomAD no frequency). This variant has not been reported in the literature in individuals affected with PEX26-related conditions. ClinVar contains an entry for this variant (Variation ID: 1063636). Algorithms developed to predict the effect of missense changes on protein structure and function (SIFT, PolyPhen-2, Align-GVGD) all suggest that this variant is likely to be disruptive. In summary, the available evidence is currently insufficient to determine the role of this variant in disease. Therefore, it has been classified as a Variant of Uncertain Significance.

NM_001127649.3(PEX26):c.401C>T (p.Pro134Leu)

Gene: PEX26 (peroxisomal biogenesis factor 26; plus strand). Cytogenetic location: 22q11.21.
Variant type: single nucleotide variant.
Coding change: c.401C>T on transcript NM_001127649.3 (MANE Select); coding-DNA position 401, C replaced by T.
Protein change: p.Pro134Leu; replaces proline 134 with leucine.
Molecular consequence: missense variant.
Genome position (GRCh38, 1-based): chr22:18,083,466, C>T. VCF-style: chr22-18083466-C-T. GRCh37 (hg19) VCF-style: chr22-18566232-C-T.
Other names: c.401C>T, p.Pro134Leu (NM_001199319.2, NM_017929.6); short protein forms P134L.
Identifiers: ClinVar variation 1063636 (VCV001063636.6), dbSNP rs1223290401, ClinGen allele CA410267217.
Genomic context (GRCh38, chr22:18,083,466, plus strand): 5'-TTGTTGGGATTGGGTTTTTTGGGGACTGCAGCATTCTTTTATACAGCAAAATGCAAGAGC[C>T]TGGAGCTGTGCTGGATGTGGTGGGTGCCTGGCTCCAAGACCCAGCCAATCAAAACCTTCC-3'
Protein context (NP_001121121.1, residues 124-144): CILLYSKMQE[Pro134Leu]GAVLDVVGAW